The following is an entry in ClinVar:

ClinVar aggregate classification (germline): Uncertain significance (1 of 4 stars; one submission).

Conditions:
Blau syndrome (BLAUS). Also called: ARTHROCUTANEOUVEAL GRANULOMATOSIS; GRANULOMATOSIS, FAMILIAL JUVENILE SYSTEMIC; GRANULOMATOSIS, FAMILIAL, BLAU TYPE; GRANULOMATOUS INFLAMMATORY ARTHRITIS, DERMATITIS, AND UVEITIS, FAMILIAL; JABS SYNDROME. Identifiers: Orphanet 90340, MedGen C5201146, MONDO:0008523, OMIM 186580.
Regional enteritis. Also called: Enteritis, Granulomatous. Identifiers: MedGen C0678202, MeSH D003424.

Submission:

Labcorp Genetics (formerly Invitae), Labcorp
Classification: Uncertain significance for Regional enteritis; Blau syndrome. Last evaluated: 2022-09-27. Review status: criteria provided, single submitter. Criteria: Invitae Variant Classification Sherloc (09022015). Collection method: clinical testing. Allele origin: germline.
Comment: This sequence change replaces alanine, which is neutral and non-polar, with serine, which is neutral and polar, at codon 107 of the NOD2 protein (p.Ala107Ser). Information on the frequency of this variant in the gnomAD database is not available, as this variant may be reported differently in the database. This variant has not been reported in the literature in individuals affected with NOD2-related conditions. Algorithms developed to predict the effect of missense changes on protein structure and function are either unavailable or do not agree on the potential impact of this missense change (SIFT: "Not Available"; PolyPhen-2: "Benign"; Align-GVGD: "Not Available"). In summary, the available evidence is currently insufficient to determine the role of this variant in disease. Therefore, it has been classified as a Variant of Uncertain Significance.

NM_001370466.1(NOD2):c.238_239delinsAG (p.Ala80Ser)

Gene: NOD2 (nucleotide binding oligomerization domain containing 2; plus strand). Cytogenetic location: 16q12.1.
Variant type: Indel.
Coding change: c.238_239delinsAG on transcript NM_001370466.1 (MANE Select); coding-DNA positions 238 to 239, GC replaced by AG.
Protein change: p.Ala80Ser; replaces alanine 80 with serine.
Molecular consequence: missense variant. On other transcripts: non-coding transcript variant (1).
Genome position (GRCh38, 1-based): chr16:50,699,733-50,699,734, GC replaced by AG. VCF-style: chr16-50699733-GC-AG. GRCh37 (hg19) VCF-style: chr16-50733644-GC-AG.
Other names: c.238_239delinsAG, p.Ala80Ser (NM_001293557.2); c.319_320delinsAG, p.Ala107Ser (NM_022162.3); short protein forms A107S, A80S.
Identifiers: ClinVar variation 2128591 (VCV002128591.4), dbSNP rs2509132942, ClinGen allele CA2580091580.